The following is an entry in ClinVar:

NM_015978.3(TNNI3K):c.1691T>A (p.Leu564Ter)

Genes: FPGT-TNNI3K (FPGT-TNNI3K readthrough; plus strand), TNNI3K (TNNI3 interacting kinase; plus strand). Cytogenetic location: 1p31.1.
Variant type: single nucleotide variant.
Coding change: c.1691T>A on transcript NM_015978.3 (MANE Select); coding-DNA position 1691, T replaced by A.
Protein change: p.Leu564Ter; replaces leucine 564 with a stop codon.
Molecular consequence: nonsense.
Genome position (GRCh38, 1-based): chr1:74,370,311, T>A. VCF-style: chr1-74370311-T-A. GRCh37 (hg19) VCF-style: chr1-74835995-T-A.
Other names: c.1994T>A, p.Leu665Ter (NM_001112808.3, NM_001199327.2); short protein forms L564*, L665*.
Identifiers: ClinVar variation 1518128 (VCV001518128.6), dbSNP rs879079349, ClinGen allele CA24545828.
Genomic context (GRCh38, chr1:74,370,311, plus strand): 5'-CCATTTCATCTCTGTTAAATCTATTTTTAAATTCTAGGATTCTTGATTTGCAGTCTAAAT[T>A]AATTATTGCAGTAGATGTTGCCAAAGGCATGGAGTACCTTCACAACCTGACACAGCCAAT-3'

ClinVar aggregate classification (germline): Uncertain significance (1 of 4 stars; one submission).

Allele frequency attached by ClinVar (database versions not stated): gnomAD exomes below 0.00001; TOPMed below 0.00001; gnomAD 0.00001.
gnomAD v4.1: 2 of 1,599,784 alleles (0.00013%); highest among the groups gnomAD compares: Admixed American, 0.0034%; no homozygotes.

Submission:

Labcorp Genetics (formerly Invitae), Labcorp
Classification: Uncertain significance. Last evaluated: 2022-07-28. Review status: criteria provided, single submitter. Criteria: Invitae Variant Classification Sherloc (09022015). Collection method: clinical testing. Allele origin: germline.
Comment: This sequence change creates a premature translational stop signal (p.Leu564*) in the TNNI3K gene. It is expected to result in an absent or disrupted protein product. However, the current clinical and genetic evidence is not sufficient to establish whether loss-of-function variants in TNNI3K cause disease. This variant is not present in population databases (gnomAD no frequency). This variant has not been reported in the literature in individuals affected with TNNI3K-related conditions. ClinVar contains an entry for this variant (Variation ID: 1518128). In summary, the available evidence is currently insufficient to determine the role of this variant in disease. Therefore, it has been classified as a Variant of Uncertain Significance.